The following is an entry in ClinVar:

NM_001009944.3(PKD1):c.3904G>A (p.Ala1302Thr)

Gene: PKD1 (polycystin 1, transient receptor potential channel interacting; minus strand). Cytogenetic location: 16p13.3.
Variant type: single nucleotide variant.
Coding change: c.3904G>A on transcript NM_001009944.3 (MANE Select); coding-DNA position 3904, G replaced by A.
Protein change: p.Ala1302Thr; replaces alanine 1302 with threonine.
Molecular consequence: missense variant.
Genome position (GRCh38, 1-based): chr16:2,111,263, C>T on the plus strand (G>A on the coding strand, the complement: PKD1 is on the minus strand). VCF-style: chr16-2111263-C-T. GRCh37 (hg19) VCF-style: chr16-2161264-C-T.
Other names: c.3904G>A, p.Ala1302Thr (NM_000296.4); c.3904G>A (NM_001009944.2); short protein forms A1302T.
Identifiers: ClinVar variation 1328290 (VCV001328290.5), dbSNP rs139993510, ClinGen allele CA7832585.

ClinVar aggregate classification (germline): Conflicting classifications of pathogenicity. Review status: criteria provided, conflicting classifications (1 of 4 stars). 6 submissions from 6 submitters: Uncertain significance (3); Likely benign (1). 2 of the submissions do not count toward it. Last evaluated 2025-12-12.

Conditions:
Polycystic kidney disease, adult type (PKD1). Also called: Polycystic Kidney Disease 1, Autosomal Dominant; Polycystic kidney disease 1; Polycystic kidney disease 1, severe; Polycystic Kidney, Autosomal Dominant; POLYCYSTIC KIDNEY DISEASE 1 WITH OR WITHOUT POLYCYSTIC LIVER DISEASE; POLYCYSTIC KIDNEY DISEASE, ADULT, TYPE I. Identifiers: MedGen C3149841, MONDO:0008263, OMIM 173900.

Allele frequency attached by ClinVar (database versions not stated): ExAC 0.00003; ESP Exome Variant Server 0.00008.
gnomAD v4.1: 31 of 1,609,652 alleles (0.0019%); highest among the groups gnomAD compares: African/African-American, 0.0053%; no homozygotes.

Submissions (6):

Clinical Genomics Laboratory, Washington University in St. Louis
Classification: Uncertain significance for Polycystic kidney disease, adult type. Last evaluated: 2025-12-12. Review status: criteria provided, single submitter. Criteria: ACMG Guidelines, 2015. Collection method: clinical testing. Allele origin: germline.
Comment: A PKD1 c.3904G>A (p.Ala1302Thr) variant was identified in a heterozygous state. This variant, to our knowledge, has not been reported in the medical literature. It has been reported in the ClinVar database as a germline variant of uncertain significance by two submitters and likely benign by two submitters (Variation ID: 1328290). The PKD1 c.3904G>A (p.Ala1302Thr) variant is observed on 6/271,866 alleles in the general population. Computational predictors suggest that the variant does not impact PKD1 function. Due to limited information, and based on ACMG/AMP guidelines for variant interpretation (Richards S et al., PMID: 25741868), the clinical significance of this variant is uncertain at this time.

Blueprint Genetics
Classification: Likely benign. Last evaluated: 2024-08-09. Review status: criteria provided, single submitter. Criteria: ACMG Guidelines, 2015. Collection method: clinical testing. Allele origin: germline.

Fulgent Genetics
Classification: Uncertain significance for Polycystic kidney disease, adult type. Last evaluated: 2024-06-17. Review status: criteria provided, single submitter. Criteria: ACMG Guidelines, 2015. Collection method: clinical testing. Allele origin: germline.

GeneDx
Classification: Uncertain significance. Last evaluated: 2024-02-12. Review status: criteria provided, single submitter. Criteria: GeneDx Variant Classification Process June 2021. Collection method: clinical testing. Allele origin: germline. Affected: yes.
Comment: In silico analysis supports that this missense variant does not alter protein structure/function; Has not been previously published as pathogenic or benign to our knowledge

Clinical Genetics DNA and cytogenetics Diagnostics Lab, Erasmus MC, Erasmus Medical Center
Classification: Likely benign. Review status: no assertion criteria provided. Collection method: clinical testing. Allele origin: germline. Affected: yes. Study: VKGL Data-share Consensus. Not counted in ClinVar's aggregate classification.

Laboratory of Diagnostic Genome Analysis, Leiden University Medical Center (LUMC)
Classification: Likely benign. Review status: no assertion criteria provided. Collection method: clinical testing. Allele origin: germline. Affected: yes. Study: VKGL Data-share Consensus. Not counted in ClinVar's aggregate classification.